The following is an entry in ClinVar:

NM_003628.6(PKP4):c.407G>A (p.Ser136Asn)

Gene: PKP4 (plakophilin 4; plus strand). Cytogenetic location: 2q24.1.
Variant type: single nucleotide variant.
Coding change: c.407G>A on transcript NM_003628.6 (MANE Select); coding-DNA position 407, G replaced by A.
Protein change: p.Ser136Asn; replaces serine 136 with asparagine.
Molecular consequence: missense variant. On other transcripts: 5 prime UTR variant (1), splice donor variant (3).
Genome position (GRCh38, 1-based): chr2:158,621,116, G>A. VCF-style: chr2-158621116-G-A. GRCh37 (hg19) VCF-style: chr2-159477628-G-A.
Other names: c.407G>A, p.Ser136Asn (NM_001005476.4, NM_001304969.3, NM_001304971.2 and 6 more transcripts); c.-543G>A (NM_001304970.3); c.406+1G>A (NM_001377222.1, NM_001377224.1, NM_001377223.1); short protein forms S136N.
Identifiers: ClinVar variation 4862015 (VCV004862015.1).

ClinVar aggregate classification (germline): Uncertain significance (1 of 4 stars; one submission).

Submission:

Ambry Genetics
Classification: Uncertain significance. Last evaluated: 2026-04-18. Review status: criteria provided, single submitter. Criteria: Ambry Variant Classification Scheme 2023. Collection method: clinical testing. Allele origin: germline.
Comment: The p.S136N variant (also known as c.407G>A), located in coding exon 4 of the PKP4 gene, results from a G to A substitution at nucleotide position 407. The serine at codon 136 is replaced by asparagine, an amino acid with highly similar properties. This amino acid position is conserved. In addition, the in silico prediction for this alteration is inconclusive. Based on the available evidence, the clinical significance of this variant remains unclear.